The following is an entry in ClinVar:

NM_020232.5(PSMG2):c.124T>A (p.Ser42Thr)

Gene: PSMG2 (proteasome assembly chaperone 2; plus strand). Cytogenetic location: 18p11.21.
Variant type: single nucleotide variant.
Coding change: c.124T>A on transcript NM_020232.5 (MANE Select); coding-DNA position 124, T replaced by A.
Protein change: p.Ser42Thr; replaces serine 42 with threonine.
Molecular consequence: missense variant.
Genome position (GRCh38, 1-based): chr18:12,706,616, T>A. VCF-style: chr18-12706616-T-A. GRCh37 (hg19) VCF-style: chr18-12706615-T-A.
Other names: c.31T>A, p.Ser11Thr (NM_147163.2); short protein forms S11T, S42T.
Identifiers: ClinVar variation 2837561 (VCV002837561.3), dbSNP rs2510987298, ClinGen allele CA401964919.

ClinVar aggregate classification (germline): Uncertain significance (1 of 4 stars; one submission).

Submission:

Labcorp Genetics (formerly Invitae), Labcorp
Classification: Uncertain significance. Last evaluated: 2023-02-14. Review status: criteria provided, single submitter. Criteria: Invitae Variant Classification Sherloc (09022015). Collection method: clinical testing. Allele origin: germline.
Comment: This sequence change replaces serine, which is neutral and polar, with threonine, which is neutral and polar, at codon 42 of the PSMG2 protein (p.Ser42Thr). This variant is not present in population databases (gnomAD no frequency). This variant has not been reported in the literature in individuals affected with PSMG2-related conditions. In summary, the available evidence is currently insufficient to determine the role of this variant in disease. Therefore, it has been classified as a Variant of Uncertain Significance. An algorithm developed to predict the effect of missense changes on protein structure and function (PolyPhen-2) suggests that this variant is likely to be tolerated.